The following is an entry in ClinVar:

ClinVar aggregate classification (germline): Uncertain significance. Review status: criteria provided, multiple submitters, no conflicts (2 of 4 stars). 6 submissions from 6 submitters: Uncertain significance (6). Last evaluated 2024-08-19.

Conditions:
Hereditary cancer-predisposing syndrome. Also called: Neoplastic Syndromes, Hereditary; Tumor predisposition; Hereditary Cancer Syndrome; Hereditary neoplastic syndrome. Identifiers: Orphanet 140162, MedGen C0027672, MeSH D009386, MONDO:0015356.
Microcephaly, normal intelligence and immunodeficiency (NBS). Also called: SEEMANOVA SYNDROME II; Immunodeficiency, microcephaly with normal intelligence; IMMUNODEFICIENCY, MICROCEPHALY, AND CHROMOSOMAL INSTABILITY; Nijmegen breakage syndrome; Microcephaly with normal intelligence immunodeficiency and lymphoreticular malignancies; Nonsyndromal microcephaly autosomal recessive with normal intelligence. Identifiers: Orphanet 647, MedGen C0398791, MONDO:0009623, OMIM 251260.

Allele frequency attached by ClinVar (database versions not stated): gnomAD exomes below 0.00001.
gnomAD v4.1: 6 of 1,613,228 alleles (0.00037%); highest among the groups gnomAD compares: Non-Finnish European, 0.00051%; no homozygotes.

Submissions (6):

Blueprint Genetics
Classification: Uncertain significance. Last evaluated: 2024-08-19. Review status: criteria provided, single submitter. Criteria: ACMG Guidelines, 2015. Collection method: clinical testing. Allele origin: germline.

Ambry Genetics
Classification: Uncertain significance for Hereditary cancer-predisposing syndrome. Last evaluated: 2024-05-23. Review status: criteria provided, single submitter. Criteria: Ambry Variant Classification Scheme 2023. Collection method: clinical testing. Allele origin: germline.
Comment: The p.K236E variant (also known as c.706A>G), located in coding exon 7 of the NBN gene, results from an A to G substitution at nucleotide position 706. The lysine at codon 236 is replaced by glutamic acid, an amino acid with similar properties. In addition, the in silico prediction for this alteration is inconclusive. Based on the available evidence, the clinical significance of this variant remains unclear.

Labcorp Genetics (formerly Invitae), Labcorp
Classification: Uncertain significance for Microcephaly, normal intelligence and immunodeficiency. Last evaluated: 2023-09-15. Review status: criteria provided, single submitter. Criteria: Invitae Variant Classification Sherloc (09022015). Collection method: clinical testing. Allele origin: germline.
Comment: In summary, the available evidence is currently insufficient to determine the role of this variant in disease. Therefore, it has been classified as a Variant of Uncertain Significance. An algorithm developed to predict the effect of missense changes on protein structure and function (PolyPhen-2) suggests that this variant¬†is likely to be tolerated. ClinVar contains an entry for this variant (Variation ID: 411778). This missense change has been observed in individual(s) with breast cancer, bone marrow failure and/or myelodysplastic syndrome (PMID: 25239263, 35039564). This variant is not present in population databases (gnomAD no frequency). This sequence change replaces lysine, which is basic and polar, with glutamic acid, which is acidic and polar, at codon 236 of the NBN protein (p.Lys236Glu).

Genome-Nilou Lab
Classification: Uncertain significance for Microcephaly, normal intelligence and immunodeficiency. Last evaluated: 2021-11-07. Review status: criteria provided, single submitter. Criteria: ACMG Guidelines, 2015. Collection method: clinical testing. Allele origin: germline. Affected: no.

Sema4
Classification: Uncertain significance for Hereditary cancer-predisposing syndrome. Last evaluated: 2021-09-16. Review status: criteria provided, single submitter. Criteria: Sema4 Curation Guidelines. Collection method: curation. Allele origin: germline.
Comment: The NBN c.706A>G (p.K236E) variant has been reported in heterozygosity in at least one individual with breast cancer and at least one individual with bone marrow failure (PMID: 33471991, 25239263). This variant is not reported in the population database Genome Aggregation Database (PMID: 32461654). The variant has been reported in ClinVar (Variation ID: 411778). Functional studies have not been performed, and in silico predictions of the variant's effect on protein function are inconclusive. The evidence is insufficient to meet ACMG/AMP criteria for classifying the variant as benign or pathogenic. Thus, the clinical significance of this variant is currently uncertain.

GeneDx
Classification: Uncertain significance. Last evaluated: 2019-06-14. Review status: criteria provided, single submitter. Criteria: GeneDx Variant Classification Process June 2021. Collection method: clinical testing. Allele origin: germline. Affected: yes.
Comment: Not observed in large population cohorts (Lek et al., 2016); In silico analysis, which includes protein predictors and evolutionary conservation, supports a deleterious effect; This variant is associated with the following publications: (PMID: 25239263)

Literature cited by the submitters: PubMed 25239263 (cited by 3 submitters); PubMed 35039564 (cited by Labcorp Genetics (formerly Invitae), Labcorp); PubMed 33471991 (cited by Sema4).

NM_002485.5(NBN):c.706A>G (p.Lys236Glu)

Gene: NBN (nibrin; minus strand). Cytogenetic location: 8q21.3.
Variant type: single nucleotide variant.
Coding change: c.706A>G on transcript NM_002485.5 (MANE Select); coding-DNA position 706, A replaced by G.
Protein change: p.Lys236Glu; replaces lysine 236 with glutamic acid.
Molecular consequence: missense variant.
Genome position (GRCh38, 1-based): chr8:89,970,554, T>C on the plus strand (A>G on the coding strand, the complement: NBN is on the minus strand). VCF-style: chr8-89970554-T-C. GRCh37 (hg19) VCF-style: chr8-90982782-T-C.
Other names: c.460A>G, p.Lys154Glu (NM_001024688.3); short protein forms K236E, K154E.
Identifiers: ClinVar variation 411778 (VCV000411778.21), dbSNP rs1060503482, ClinGen allele CA16612547.
Genomic context (GRCh38, chr8:89,970,554, plus strand): 5'-TCTCTTCTGTTATCAACCTAGCTTCCCCACCTCCAAAGACAACTGCGGAACTCAATTTCT[T>C]ATGCTAAAAATGGAAGGAAACATTTTTTAAAGTAAAATGTAGTAATTTTTTGAACACATA-3'
Protein context (NP_002476.2, residues 226-246): TFIFLNAKQH[Lys236Glu]KLSSAVVFGG